The following is an entry in ClinVar:

NM_016169.4(SUFU):c.1211T>C (p.Met404Thr)

Gene: SUFU (SUFU negative regulator of hedgehog signaling; plus strand). Cytogenetic location: 10q24.32.
Variant type: single nucleotide variant.
Coding change: c.1211T>C on transcript NM_016169.4 (MANE Select); coding-DNA position 1211, T replaced by C.
Protein change: p.Met404Thr; replaces methionine 404 with threonine.
Molecular consequence: missense variant.
Genome position (GRCh38, 1-based): chr10:102,617,343, T>C. VCF-style: chr10-102617343-T-C. GRCh37 (hg19) VCF-style: chr10-104377100-T-C.
Other names: c.1211T>C, p.Met404Thr (NM_001178133.2); short protein forms M404T.
Identifiers: ClinVar variation 2122491 (VCV002122491.4), dbSNP rs2063697367, ClinGen allele CA377915485.

ClinVar aggregate classification (germline): Uncertain significance (1 of 4 stars; one submission).

Conditions:
Gorlin syndrome. Also called: Nevoid Basal Cell Carcinoma Syndrome; Basal cell nevus syndrome. Identifiers: Orphanet 377, MedGen C0004779, MONDO:0007187.
Medulloblastoma (MDB). Also called: Medulloblastoma, somatic; MEDULLOBLASTOMA PREDISPOSITION SYNDROME. Identifiers: Orphanet 616, MedGen C0025149, MeSH D008527, MONDO:0007959, OMIM 155255, HP:0002885.

Submission:

Labcorp Genetics (formerly Invitae), Labcorp
Classification: Uncertain significance for Gorlin syndrome; Medulloblastoma. Last evaluated: 2022-04-07. Review status: criteria provided, single submitter. Criteria: Invitae Variant Classification Sherloc (09022015). Collection method: clinical testing. Allele origin: germline.
Comment: In summary, the available evidence is currently insufficient to determine the role of this variant in disease. Therefore, it has been classified as a Variant of Uncertain Significance. Algorithms developed to predict the effect of missense changes on protein structure and function output the following: SIFT: "Tolerated"; PolyPhen-2: "Benign"; Align-GVGD: "Class C0". The threonine amino acid residue is found in multiple mammalian species, which suggests that this missense change does not adversely affect protein function. This variant has not been reported in the literature in individuals affected with SUFU-related conditions. This variant is not present in population databases (gnomAD no frequency). This sequence change replaces methionine, which is neutral and non-polar, with threonine, which is neutral and polar, at codon 404 of the SUFU protein (p.Met404Thr).